The following is an entry in ClinVar:

ClinVar aggregate classification (germline): Uncertain significance. Review status: criteria provided, multiple submitters, no conflicts (2 of 4 stars). 5 submissions from 5 submitters: Uncertain significance (5). Last evaluated 2025-06-23.

Conditions:
Charcot-Marie-Tooth disease recessive intermediate B. Also called: CHARCOT-MARIE-TOOTH NEUROPATHY, RECESSIVE INTERMEDIATE B. Identifiers: Orphanet 254334, MedGen C3150897, MONDO:0013338, OMIM 613641.

Allele frequency attached by ClinVar (database versions not stated): gnomAD exomes 0.00001 and 0.00003; ExAC 0.00003; TOPMed 0.00005; gnomAD 0.00008 and 0.00009.
gnomAD v4.1: 27 of 1,613,768 alleles (0.0017%); highest among the groups gnomAD compares: African/African-American, 0.033%; no homozygotes.

Submissions (5):

Labcorp Genetics (formerly Invitae), Labcorp
Classification: Uncertain significance. Last evaluated: 2025-06-23. Review status: criteria provided, single submitter. Criteria: Invitae Variant Classification Sherloc (09022015). Collection method: clinical testing. Allele origin: germline.
Comment: This sequence change replaces threonine, which is neutral and polar, with isoleucine, which is neutral and non-polar, at codon 447 of the KARS protein (p.Thr447Ile). This variant is present in population databases (rs773192982, gnomAD 0.04%). This variant has not been reported in the literature in individuals affected with KARS-related conditions. ClinVar contains an entry for this variant (Variation ID: 666840). Invitae Evidence Modeling of protein sequence and biophysical properties (such as structural, functional, and spatial information, amino acid conservation, physicochemical variation, residue mobility, and thermodynamic stability) indicates that this missense variant is not expected to disrupt KARS protein function with a negative predictive value of 80%. In summary, the available evidence is currently insufficient to determine the role of this variant in disease. Therefore, it has been classified as a Variant of Uncertain Significance.

GeneDx
Classification: Uncertain significance. Last evaluated: 2024-11-19. Review status: criteria provided, single submitter. Criteria: GeneDx Variant Classification Process June 2021. Collection method: clinical testing. Allele origin: germline. Affected: yes.
Comment: In silico analysis supports that this missense variant has a deleterious effect on protein structure/function; Has not been previously published as pathogenic or benign to our knowledge

Ambry Genetics
Classification: Uncertain significance. Last evaluated: 2024-08-26. Review status: criteria provided, single submitter. Criteria: Ambry Variant Classification Scheme 2023. Collection method: clinical testing. Allele origin: germline.

Laboratório de Neurologia Aplicada e Experimental, Faculdade de Medicina de Ribeirao Preto – Universidade de Sao Paulo
Classification: Uncertain significance for Charcot-Marie-Tooth disease recessive intermediate B. Last evaluated: 2021-07-20. Review status: criteria provided, single submitter. Criteria: ACMG Guidelines, 2015. Collection method: research. Allele origin: germline. Inheritance: Autosomal dominant inheritance. Affected: yes. Observed: 1 variant allele, 1 heterozygote.
Comment: The c.1256C>T (p.Thr419Ile) variant in the KARS1 gene has not been described in the literature to our knowledge. This variant replaces Threonine with Isoleucine at codon 419 of the KARS1 protein that is highly conserved across different species. This variant is present in the gnomAD (rs752076127; 0.03899e-3) and ABraOM (rs752076127; 0.000427) population database at a low frequency. ClinVar contains an entry for this variant (Variation ID: 666840), and it is classified as Uncertain significance, 1 star. In summary, the available evidence is insufficient to determine the clinical significance of this variant. Therefore, it has been classified as a variant of uncertain significance (VUS).

Laboratory for Molecular Medicine, Mass General Brigham Personalized Medicine
Classification: Uncertain significance. Last evaluated: 2018-10-10. Review status: criteria provided, single submitter. Criteria: LMM Criteria. Collection method: clinical testing. Allele origin: germline. Observed: 1 variant allele.
Comment: The p.Thr447Ile variant in KARS has not been previously reported in individuals with hearing loss, but has been identified in 0.04% (10/23968) of African chromo somes by the Genome Aggregation Database (gnomAD, rg). Computational prediction tools and conservation analysis do not provide str ong support for or against an impact to the protein. In summary, the clinical si gnificance of this variant is uncertain. ACMG/AMP Criteria applied: none.

NM_005548.3(KARS1):c.1256C>T (p.Thr419Ile)

Gene: KARS1 (lysyl-tRNA synthetase 1; minus strand). Cytogenetic location: 16q23.1.
Variant type: single nucleotide variant.
Coding change: c.1256C>T on transcript NM_005548.3 (MANE Select); coding-DNA position 1256, C replaced by T.
Protein change: p.Thr419Ile; replaces threonine 419 with isoleucine.
Molecular consequence: missense variant.
Genome position (GRCh38, 1-based): chr16:75,631,250, G>A on the plus strand (C>T on the coding strand, the complement: KARS1 is on the minus strand). VCF-style: chr16-75631250-G-A. GRCh37 (hg19) VCF-style: chr16-75665148-G-A.
Other names: chr16-75631250-G-A; p.Thr419Ile; c.1340C>T, p.Thr447Ile (NM_001130089.2); c.788C>T, p.Thr263Ile (NM_001378148.1); short protein forms T419I, T447I, T263I.
Identifiers: ClinVar variation 666840 (VCV000666840.33), dbSNP rs773192982, ClinGen allele CA8177331.